The following is an entry in ClinVar:

NM_138713.4(NFAT5):c.1987G>A (p.Gly663Ser)

Gene: NFAT5 (nuclear factor of activated T cells 5; plus strand). Cytogenetic location: 16q22.1.
Variant type: single nucleotide variant.
Coding change: c.1987G>A on transcript NM_138713.4 (MANE Select); coding-DNA position 1987, G replaced by A.
Protein change: p.Gly663Ser; replaces glycine 663 with serine.
Molecular consequence: missense variant.
Genome position (GRCh38, 1-based): chr16:69,691,812, G>A. VCF-style: chr16-69691812-G-A. GRCh37 (hg19) VCF-style: chr16-69725715-G-A.
Other names: c.1984G>A, p.Gly662Ser (NM_001113178.3); c.1312G>A, p.Gly438Ser (NM_001367709.1); c.1933G>A, p.Gly645Ser (NM_006599.4); c.1705G>A, p.Gly569Ser (NM_138714.4, NM_173214.3, NM_173215.3); short protein forms G569S, G645S, G438S, G662S, G663S.
Identifiers: ClinVar variation 1368485 (VCV001368485.8), dbSNP rs2151718056, ClinGen allele CA396506973.
Genomic context (GRCh38, chr16:69,691,812, plus strand): 5'-ACAAAGTCTGTTGGATCAACTCAGCAAACATTAGAAAACATCTCAAACATAGCAGGAAAT[G>A]GCTCTTTTTCATCACCATCATCTTCCCACCTACCTTCTGAAAATGAAAAACAGCAGCAGA-3'
Protein context (NP_619727.2, residues 653-673): LENISNIAGN[Gly663Ser]SFSSPSSSHL

ClinVar aggregate classification (germline): Uncertain significance (1 of 4 stars; one submission).

Conditions:
Immunodeficiency. Identifiers: MedGen C0021051, MONDO:0021094, HP:0002721.

Submission:

Labcorp Genetics (formerly Invitae), Labcorp
Classification: Uncertain significance for Immunodeficiency. Last evaluated: 2021-07-18. Review status: criteria provided, single submitter. Criteria: Invitae Variant Classification Sherloc (09022015). Collection method: clinical testing. Allele origin: germline.
Comment: This variant is not present in population databases (ExAC no frequency). This sequence change replaces glycine with serine at codon 569 of the NFAT5 protein (p.Gly569Ser). The glycine residue is moderately conserved and there is a small physicochemical difference between glycine and serine. This variant has not been reported in the literature in individuals affected with NFAT5-related conditions. In summary, the available evidence is currently insufficient to determine the role of this variant in disease. Therefore, it has been classified as a Variant of Uncertain Significance. Algorithms developed to predict the effect of missense changes on protein structure and function output the following: SIFT: "Tolerated"; PolyPhen-2: "Benign"; Align-GVGD: "Class C0". The serine amino acid residue is found in multiple mammalian species, which suggests that this missense change does not adversely affect protein function.